The following is an entry in ClinVar:

ClinVar aggregate classification (germline): Uncertain significance (1 of 4 stars; one submission).

Allele frequency attached by ClinVar (database versions not stated): gnomAD 0.00001.
gnomAD v4.1: 1 of 1,613,986 alleles (0.000062%); highest among the groups gnomAD compares: Admixed American, 0.0017%; no homozygotes.

Submission:

Labcorp Genetics (formerly Invitae), Labcorp
Classification: Uncertain significance. Last evaluated: 2021-03-17. Review status: criteria provided, single submitter. Criteria: Invitae Variant Classification Sherloc (09022015). Collection method: clinical testing. Allele origin: germline.
Comment: In summary, the available evidence is currently insufficient to determine the role of this variant in disease. Therefore, it has been classified as a Variant of Uncertain Significance. Nucleotide substitutions within the consensus splice site are a relatively common cause of aberrant splicing (PMID: 17576681, 9536098). Algorithms developed to predict the effect of sequence changes on RNA splicing suggest that this variant may disrupt the consensus splice site, but this prediction has not been confirmed by published transcriptional studies. This variant has not been reported in the literature in individuals with IFT43-related conditions. This variant is not present in population databases (ExAC no frequency). This sequence change falls in intron 4 of the IFT43 gene. It does not directly change the encoded amino acid sequence of the IFT43 protein. It affects a nucleotide within the consensus splice site of the intron.

Literature cited by the submitters: PubMed 17576681; PubMed 9536098.

NM_001102564.3(IFT43):c.296-5599G>C

Gene: IFT43 (intraflagellar transport 43; plus strand). Cytogenetic location: 14q24.3.
Variant type: single nucleotide variant.
Coding change: c.296-5599G>C on transcript NM_001102564.3 (MANE Select); 5599 bases into the intron before coding-DNA position 296, G replaced by C.
Molecular consequence: intron variant.
Genome position (GRCh38, 1-based): chr14:76,076,696, G>C. VCF-style: chr14-76076696-G-C. GRCh37 (hg19) VCF-style: chr14-76543039-G-C.
Other names: c.310+5G>C (NM_052873.3).
Identifiers: ClinVar variation 1469203 (VCV001469203.6), dbSNP rs2037419474, ClinGen allele CA964844679.
Genomic context (GRCh38, chr14:76,076,696, plus strand): 5'-ATGCTATCACAAAACGCATCACAGAGATTTGGGGCTGGCTTCATTGGAAGAGGCAGGTAG[G>C]CTTTTGACTGTCAGTCTACGGGAACTGAAAAGGATCCTTCTGGGACTTTGCTAGGTAATT-3'